The following is an entry in ClinVar:

ClinVar aggregate classification (germline): Uncertain significance (1 of 4 stars; one submission).

Conditions:
Cutis laxa, autosomal dominant 3 (ADCL3). Identifiers: Orphanet 90348, MedGen C4225268, MONDO:0014706, OMIM 616603.
Autosomal dominant spastic paraplegia type 9. Identifiers: MedGen C1832669, MONDO:0015091.
de Barsy syndrome. Also called: Cutis laxa-corneal clouding-oligophrenia syndrome. Identifiers: Orphanet 2962, MedGen C0268354, MONDO:0017569.

gnomAD v4.1: 1 of 1,576,432 alleles (0.000063%); highest among the groups gnomAD compares: Non-Finnish European, 0.000086%; no homozygotes.

Submission:

Labcorp Genetics (formerly Invitae), Labcorp
Classification: Uncertain significance for Autosomal dominant spastic paraplegia type 9; de Barsy syndrome; Cutis laxa, autosomal dominant 3. Last evaluated: 2022-10-14. Review status: criteria provided, single submitter. Criteria: Invitae Variant Classification Sherloc (09022015). Collection method: clinical testing. Allele origin: germline.
Comment: In summary, the available evidence is currently insufficient to determine the role of this variant in disease. Therefore, it has been classified as a Variant of Uncertain Significance. Advanced modeling of protein sequence and biophysical properties (such as structural, functional, and spatial information, amino acid conservation, physicochemical variation, residue mobility, and thermodynamic stability) has been performed at Invitae for this missense variant, however the output from this modeling did not meet the statistical confidence thresholds required to predict the impact of this variant on ALDH18A1 protein function. This variant has not been reported in the literature in individuals affected with ALDH18A1-related conditions. This variant is not present in population databases (gnomAD no frequency). This sequence change replaces alanine, which is neutral and non-polar, with serine, which is neutral and polar, at codon 523 of the ALDH18A1 protein (p.Ala523Ser).

NM_002860.4(ALDH18A1):c.1567G>T (p.Ala523Ser)

Gene: ALDH18A1 (aldehyde dehydrogenase 18 family member A1; minus strand). Cytogenetic location: 10q24.1.
Variant type: single nucleotide variant.
Coding change: c.1567G>T on transcript NM_002860.4 (MANE Select); coding-DNA position 1567, G replaced by T.
Protein change: p.Ala523Ser; replaces alanine 523 with serine.
Molecular consequence: missense variant.
Genome position (GRCh38, 1-based): chr10:95,616,515, C>A on the plus strand (G>T on the coding strand, the complement: ALDH18A1 is on the minus strand). VCF-style: chr10-95616515-C-A. GRCh37 (hg19) VCF-style: chr10-97376272-C-A.
Other names: c.1561G>T, p.Ala521Ser (NM_001017423.2, NM_001323415.2); c.1234G>T, p.Ala412Ser (NM_001323412.2, NM_001323416.2); c.1567G>T, p.Ala523Ser (NM_001323413.2, NM_001323414.2); c.1462G>T, p.Ala488Ser (NM_001323417.2); c.1228G>T, p.Ala410Ser (NM_001323418.2); c.931G>T, p.Ala311Ser (NM_001323419.2); short protein forms A488S, A521S, A412S, A523S, A311S, A410S.
Identifiers: ClinVar variation 2014716 (VCV002014716.4), dbSNP rs1440123423, ClinGen allele CA377701002.